The following is an entry in ClinVar:

ClinVar aggregate classification (germline): Uncertain significance (1 of 4 stars; one submission).

Allele frequency attached by ClinVar (database versions not stated): gnomAD exomes below 0.00001; TOPMed 0.00001; gnomAD 0.00002.
gnomAD v4.1: 6 of 1,613,760 alleles (0.00037%); highest among the groups gnomAD compares: African/African-American, 0.004%; no homozygotes.

Submission:

Labcorp Genetics (formerly Invitae), Labcorp
Classification: Uncertain significance. Last evaluated: 2022-04-21. Review status: criteria provided, single submitter. Criteria: Invitae Variant Classification Sherloc (09022015). Collection method: clinical testing. Allele origin: germline.
Comment: This sequence change replaces serine, which is neutral and polar, with phenylalanine, which is neutral and non-polar, at codon 514 of the TANC2 protein (p.Ser514Phe). This variant is not present in population databases (gnomAD no frequency). This variant has not been reported in the literature in individuals affected with TANC2-related conditions. Algorithms developed to predict the effect of missense changes on protein structure and function are either unavailable or do not agree on the potential impact of this missense change (SIFT: "Deleterious"; PolyPhen-2: "Benign"; Align-GVGD: "Class C0"). In summary, the available evidence is currently insufficient to determine the role of this variant in disease. Therefore, it has been classified as a Variant of Uncertain Significance.

NM_001394998.1(TANC2):c.1763C>T (p.Ser588Phe)

Gene: TANC2 (tetratricopeptide repeat, ankyrin repeat and coiled-coil containing 2; plus strand). Cytogenetic location: 17q23.3.
Variant type: single nucleotide variant.
Coding change: c.1763C>T on transcript NM_001394998.1 (MANE Select); coding-DNA position 1763, C replaced by T.
Protein change: p.Ser588Phe; replaces serine 588 with phenylalanine.
Molecular consequence: missense variant.
Genome position (GRCh38, 1-based): chr17:63,340,288, C>T. VCF-style: chr17-63340288-C-T. GRCh37 (hg19) VCF-style: chr17-61417649-C-T.
Other names: c.1541C>T, p.Ser514Phe (NM_001411076.1, NM_025185.4); short protein forms S514F, S588F.
Identifiers: ClinVar variation 1975336 (VCV001975336.2), dbSNP rs1383716664, ClinGen allele CA400519873.